The following is an entry in ClinVar:

ClinVar aggregate classification (germline): Pathogenic. Review status: reviewed by expert panel (3 of 4 stars). 2 submissions from 2 submitters: Pathogenic (1). 1 of the submissions does not count toward it. Last evaluated 2016-10-18.

Conditions:
Breast-ovarian cancer, familial, susceptibility to, 1 (BROVCA1). Also called: BRCA1 Hereditary Breast and Ovarian Cancer; OVARIAN CANCER, SUSCEPTIBILITY TO. Identifiers: Orphanet 145, MedGen C2676676, MONDO:0011450, OMIM 604370. Disease mechanism: loss of function.

Submissions (2):

Evidence-based Network for the Interpretation of Germline Mutant Alleles (ENIGMA)
Classification: Pathogenic for Breast-ovarian cancer, familial, susceptibility to, 1. Last evaluated: 2016-10-18. Review status: reviewed by expert panel. Criteria: ENIGMA BRCA1/2 Classification Criteria (2015). Collection method: curation. Allele origin: germline.
Comment: Variant allele predicted to encode a truncated non-functional protein.

Consortium of Investigators of Modifiers of BRCA1/2 (CIMBA), c/o University of Cambridge
Classification: Pathogenic for Breast-ovarian cancer, familial, susceptibility to, 1. Last evaluated: 2015-10-02. Review status: criteria provided, single submitter. Criteria: CIMBA Mutation Classification guidelines May 2016. Collection method: clinical testing. Allele origin: germline. Not counted in ClinVar's aggregate classification.

NM_007294.4(BRCA1):c.3774_3775del (p.Asn1259fs)

Genes: BRCA1 (BRCA1 DNA repair associated; minus strand), LOC126862571 (BRD4-independent group 4 enhancer GRCh37_chr17:41243136-41244335; plus strand). Cytogenetic location: 17q21.31.
Variant type: Microsatellite.
Coding change: c.3774_3775del on transcript NM_007294.4 (MANE Select); coding-DNA positions 3774 to 3775, 2 bases deleted (GA; older notation c.3774_3775delGA).
Protein change: p.Asn1259fs; shifts the reading frame from asparagine 1259.
Molecular consequence: frameshift variant. On other transcripts: intron variant (135).
Genome position (GRCh38, 1-based): chr17:43,091,756-43,091,757, TC deleted on the plus strand (GA on the coding strand, the reverse complement: BRCA1 is on the minus strand); deleting any 2 consecutive bases within chr17:43,091,756-43,091,759 gives the same sequence; the c. name uses the placement nearest the transcript's 3' end. VCF-style (leftmost placement, unchanged base first): chr17-43091755-TTC-T. GRCh37 (hg19) VCF-style: chr17-41243772-TTC-T.
Other names: 3891delGA-ter1265; c.3438_3439del, p.Asn1147fs (NM_001407954.1, NM_001407955.1, NM_001407956.1 and 1 more transcripts); c.3441_3442del, p.Asn1148fs (NM_001407957.1, NM_001407946.1, NM_001407947.1 and 6 more transcripts); c.3393_3394del, p.Asn1132fs (NM_001407959.1, NM_001407960.1, NM_001407963.1); c.3390_3391del, p.Asn1131fs (NM_001407962.1); c.3630_3631del, p.Asn1211fs (NM_001407964.1, NM_001407740.1, NM_001407741.1 and 20 more transcripts); c.3270_3271del, p.Asn1091fs (NM_001407965.1); c.2886_2887del, p.Asn963fs (NM_001407966.1, NM_001407967.1); and 43 more; short protein forms N1212fs, N1259fs, N1091fs, N1170fs, N1211fs, N1232fs, N391fs, N1188fs.
Identifiers: ClinVar variation 55001 (VCV000055001.7), dbSNP rs397509106, ClinGen allele CA002430.